The following is an entry in ClinVar:

NM_001100.4(ACTA1):c.427T>C (p.Ser143Pro)

Gene: ACTA1 (actin alpha 1, skeletal muscle; minus strand). Cytogenetic location: 1q42.13.
Variant type: single nucleotide variant.
Coding change: c.427T>C on transcript NM_001100.4 (MANE Select); coding-DNA position 427, T replaced by C.
Protein change: p.Ser143Pro; replaces serine 143 with proline.
Molecular consequence: missense variant.
Genome position (GRCh38, 1-based): chr1:229,432,583, A>G on the plus strand (T>C on the coding strand, the complement: ACTA1 is on the minus strand). VCF-style: chr1-229432583-A-G. GRCh37 (hg19) VCF-style: chr1-229568330-A-G.
Other names: short protein forms S143P.
Identifiers: ClinVar variation 845550 (VCV000845550.12), dbSNP rs1659973563, ClinGen allele CA345149203.

ClinVar aggregate classification (germline): Pathogenic/Likely pathogenic. Review status: criteria provided, multiple submitters, no conflicts (2 of 4 stars). 2 submissions from 2 submitters: Pathogenic (1); Likely pathogenic (1). Last evaluated 2025-06-04.

Conditions:
Actin accumulation myopathy (CMYO2A). Also called: Nemaline myopathy type 3; Myopathy, actin, congenital, with excess of thin myofilaments; Myopathy, actin, congenital, with cores; Nemaline myopathy 3, with intranuclear rods; CONGENITAL MYOPATHY 2A, TYPICAL, AUTOSOMAL DOMINANT. Identifiers: Orphanet 98904, MedGen C3711389, MONDO:0008070, OMIM 161800.

Submissions (2):

Revvity Omics, Revvity
Classification: Likely pathogenic. Last evaluated: 2025-06-04. Review status: criteria provided, single submitter. Criteria: ACMG Guidelines, 2015. Collection method: clinical testing. Allele origin: germline.

Labcorp Genetics (formerly Invitae), Labcorp
Classification: Pathogenic for Actin accumulation myopathy. Last evaluated: 2023-10-12. Review status: criteria provided, single submitter. Criteria: Invitae Variant Classification Sherloc (09022015). Collection method: clinical testing. Allele origin: germline.
Comment: This sequence change replaces serine, which is neutral and polar, with proline, which is neutral and non-polar, at codon 143 of the ACTA1 protein (p.Ser143Pro). This variant is not present in population databases (gnomAD no frequency). This missense change has been observed in individual(s) with clinical features of ACTA1-related myopathy (Invitae). In at least one individual the variant was observed to be de novo. ClinVar contains an entry for this variant (Variation ID: 845550). Advanced modeling of protein sequence and biophysical properties (such as structural, functional, and spatial information, amino acid conservation, physicochemical variation, residue mobility, and thermodynamic stability) has been performed at Invitae for this missense variant, however the output from this modeling did not meet the statistical confidence thresholds required to predict the impact of this variant on ACTA1 protein function. For these reasons, this variant has been classified as Pathogenic.